The following is an entry in ClinVar:

NM_001330078.2(NRXN1):c.3865C>A (p.Gln1289Lys)

Gene: NRXN1 (neurexin 1; minus strand). Cytogenetic location: 2p16.3.
Variant type: single nucleotide variant.
Coding change: c.3865C>A on transcript NM_001330078.2 (MANE Select); coding-DNA position 3865, C replaced by A.
Protein change: p.Gln1289Lys; replaces glutamine 1289 with lysine.
Molecular consequence: missense variant.
Genome position (GRCh38, 1-based): chr2:50,053,534, G>T on the plus strand (C>A on the coding strand, the complement: NRXN1 is on the minus strand). VCF-style: chr2-50053534-G-T. GRCh37 (hg19) VCF-style: chr2-50280672-G-T.
Other names: c.3985C>A, p.Gln1329Lys (NM_001135659.3); c.3841C>A, p.Gln1281Lys (NM_001330077.2, NM_001330082.2); c.3724C>A, p.Gln1242Lys (NM_001330095.2); c.3664C>A, p.Gln1222Lys (NM_001330096.2, NM_001330087.2); c.670C>A, p.Gln224Lys (NM_001330097.2, NM_138735.5); c.3775C>A, p.Gln1259Lys (NM_004801.6); c.3709C>A, p.Gln1237Lys (NM_001330083.2); c.3799C>A, p.Gln1267Lys (NM_001330084.2); and 6 more; short protein forms Q1259K, Q1222K, Q1232K, Q1237K, Q1280K, Q224K, Q254K, Q1267K.
Identifiers: ClinVar variation 837296 (VCV000837296.9), dbSNP rs1693099688, ClinGen allele CA346819887.

ClinVar aggregate classification (germline): Uncertain significance (1 of 4 stars; one submission).

Conditions:
Pitt-Hopkins-like syndrome 2 (PTHSL2). Identifiers: Orphanet 221150, Orphanet 600663, MedGen C3280479, MONDO:0013690, OMIM 614325.

Submission:

Labcorp Genetics (formerly Invitae), Labcorp
Classification: Uncertain significance for Pitt-Hopkins-like syndrome 2. Last evaluated: 2019-02-15. Review status: criteria provided, single submitter. Criteria: Invitae Variant Classification Sherloc (09022015). Collection method: clinical testing. Allele origin: germline.
Comment: In summary, the available evidence is currently insufficient to determine the role of this variant in disease. Therefore, it has been classified as a Variant of Uncertain Significance. Algorithms developed to predict the effect of missense changes on protein structure and function (SIFT, PolyPhen-2, Align-GVGD) all suggest that this variant is likely to be tolerated, but these predictions have not been confirmed by published functional studies and their clinical significance is uncertain. This variant has not been reported in the literature in individuals with NRXN1-related conditions. This variant is not present in population databases (ExAC no frequency). This sequence change replaces glutamine with lysine at codon 1329 of the NRXN1 protein (p.Gln1329Lys). The glutamine residue is highly conserved and there is a small physicochemical difference between glutamine and lysine.